The following is an entry in ClinVar:

NM_003628.6(PKP4):c.893A>G (p.Asn298Ser)

Gene: PKP4 (plakophilin 4; plus strand). Cytogenetic location: 2q24.1.
Variant type: single nucleotide variant.
Coding change: c.893A>G on transcript NM_003628.6 (MANE Select); coding-DNA position 893, A replaced by G.
Protein change: p.Asn298Ser; replaces asparagine 298 with serine.
Molecular consequence: missense variant. On other transcripts: 5 prime UTR variant (1).
Genome position (GRCh38, 1-based): chr2:158,625,167, A>G. VCF-style: chr2-158625167-A-G. GRCh37 (hg19) VCF-style: chr2-159481679-A-G.
Other names: c.893A>G, p.Asn298Ser (NM_001005476.4, NM_001304969.3, NM_001304971.2 and 6 more transcripts); c.-134A>G (NM_001304970.3); c.887A>G, p.Asn296Ser (NM_001377222.1, NM_001377223.1, NM_001377224.1); short protein forms N298S, N296S.
Identifiers: ClinVar variation 3307136 (VCV003307136.1).
Genomic context (GRCh38, chr2:158,625,167, plus strand): 5'-GACCCGCCTCCCCAACAGCTATACGGCGGATTGGGTCAGTCACCTCCCGGCAGACCTCCA[A>G]TCCCAACGGACCAACCCCTCAATACCAAACCACCGCCAGAGTGGGGTCCCCACTGACCCT-3'
Protein context (NP_003619.2, residues 288-308): IGSVTSRQTS[Asn298Ser]PNGPTPQYQT

ClinVar aggregate classification (germline): Uncertain significance (1 of 4 stars; one submission).

gnomAD v4.1: 9 of 1,613,978 alleles (0.00056%); highest among the groups gnomAD compares: African/African-American, 0.0053%; no homozygotes.

Submission:

Ambry Genetics
Classification: Uncertain significance. Last evaluated: 2024-05-17. Review status: criteria provided, single submitter. Criteria: Ambry Variant Classification Scheme 2023. Collection method: clinical testing. Allele origin: germline.
Comment: The p.N298S variant (also known as c.893A>G), located in coding exon 6 of the PKP4 gene, results from an A to G substitution at nucleotide position 893. The asparagine at codon 298 is replaced by serine, an amino acid with highly similar properties. This amino acid position is conserved. In addition, this alteration is predicted to be tolerated by in silico analysis. Based on the available evidence, the clinical significance of this variant remains unclear.